The following is an entry in ClinVar:

NM_032043.3(BRIP1):c.1794+5G>A

Gene: BRIP1 (BRCA1 interacting DNA helicase 1; minus strand). Cytogenetic location: 17q23.2.
Variant type: single nucleotide variant.
Coding change: c.1794+5G>A on transcript NM_032043.3 (MANE Select); 5 bases into the intron after coding-DNA position 1794, G replaced by A.
Molecular consequence: intron variant.
Genome position (GRCh38, 1-based): chr17:61,780,835, C>T on the plus strand (G>A on the coding strand, the complement: BRIP1 is on the minus strand). VCF-style: chr17-61780835-C-T. GRCh37 (hg19) VCF-style: chr17-59858196-C-T.
Identifiers: ClinVar variation 230385 (VCV000230385.6), dbSNP rs876658539, ClinGen allele CA10580826.
Genomic context (GRCh38, chr17:61,780,835, plus strand): 5'-CCACATTTATTAAAATGCTGGTACTGAGCAAGAAGACAAAATTTCCATTTACATGATGAG[C>T]TTACCACAGCTGGATTTAAGCACCAAAAGTTTAGCACATGAACTGCAGTTTTCTGTCGTG-3'

ClinVar aggregate classification (germline): Uncertain significance (1 of 4 stars; one submission).

Conditions:
Hereditary cancer-predisposing syndrome. Also called: Neoplastic Syndromes, Hereditary; Hereditary Cancer Syndrome; Tumor predisposition; Hereditary neoplastic syndrome. Identifiers: Orphanet 140162, MedGen C0027672, MeSH D009386, MONDO:0015356.

Submission:

Ambry Genetics
Classification: Uncertain significance for Hereditary cancer-predisposing syndrome. Last evaluated: 2026-03-17. Review status: criteria provided, single submitter. Criteria: Ambry Variant Classification Scheme 2023. Collection method: clinical testing. Allele origin: germline.
Comment: The c.1794+5G>A intronic variant results from a G to A substitution 5 nucleotides after coding exon 11 in the BRIP1 gene. This nucleotide position is highly conserved in available vertebrate species. In silico splice site analysis predicts that this alteration will weaken the native splice donor site. Based on the available evidence, the clinical significance of this variant remains unclear.